The following is an entry in ClinVar:

NM_001035.3(RYR2):c.13782+15C>T

Gene: RYR2 (ryanodine receptor 2; plus strand). Cytogenetic location: 1q43.
Variant type: single nucleotide variant.
Coding change: c.13782+15C>T on transcript NM_001035.3 (MANE Select); 15 bases into the intron after coding-DNA position 13782, C replaced by T.
Molecular consequence: intron variant.
Genome position (GRCh38, 1-based): chr1:237,792,338, C>T. VCF-style: chr1-237792338-C-T. GRCh37 (hg19) VCF-style: chr1-237955638-C-T.
Identifiers: ClinVar variation 3619348 (VCV003619348.2).
Genomic context (GRCh38, chr1:237,792,338, plus strand): 5'-CACGGTCATTTCTTTCTTCTGCATCATTGGATACTACTGCTTGAAAGTAAGATAGTAAGG[C>T]ACCAAGGTACCTGTGTGTGTGTGTGTGTGTGTGTGTGTGTGTGCGTGTGTGTGTGTGTGC-3'

ClinVar aggregate classification (germline): Uncertain significance (1 of 4 stars; one submission).

Conditions:
Catecholaminergic polymorphic ventricular tachycardia 1. Also called: VENTRICULAR TACHYCARDIA, STRESS-INDUCED POLYMORPHIC 1; VENTRICULAR TACHYCARDIA, CATECHOLAMINERGIC POLYMORPHIC, 1, WITH OR WITHOUT ATRIAL DYSFUNCTION AND/OR DILATED CARDIOMYOPATHY; RYR2-Related Catecholaminergic Polymorphic Ventricular Tachycardia. Identifiers: Orphanet 3286, MedGen C1631597, MONDO:0011484, OMIM 604772.

Submission:

Labcorp Genetics (formerly Invitae), Labcorp
Classification: Uncertain significance for Catecholaminergic polymorphic ventricular tachycardia 1. Last evaluated: 2024-04-25. Review status: criteria provided, single submitter. Criteria: Invitae Variant Classification Sherloc (09022015). Collection method: clinical testing. Allele origin: germline.
Comment: This sequence change falls in intron 94 of the RYR2 gene. It does not directly change the encoded amino acid sequence of the RYR2 protein. The frequency data for this variant in the population databases is considered unreliable, as metrics indicate poor data quality at this position in the gnomAD database. This variant has not been reported in the literature in individuals affected with RYR2-related conditions. Algorithms developed to predict the effect of sequence changes on RNA splicing suggest that this variant may create or strengthen a splice site. In summary, the available evidence is currently insufficient to determine the role of this variant in disease. Therefore, it has been classified as a Variant of Uncertain Significance.